The following is an entry in ClinVar:

NM_000038.6(APC):c.3428A>G (p.Tyr1143Cys)

Gene: APC (APC regulator of Wnt signaling pathway; plus strand). Cytogenetic location: 5q22.2.
Variant type: single nucleotide variant.
Coding change: c.3428A>G on transcript NM_000038.6 (MANE Select); coding-DNA position 3428, A replaced by G.
Protein change: p.Tyr1143Cys; replaces tyrosine 1143 with cysteine.
Molecular consequence: missense variant.
Genome position (GRCh38, 1-based): chr5:112,839,022, A>G. VCF-style: chr5-112839022-A-G. GRCh37 (hg19) VCF-style: chr5-112174719-A-G.
Other names: c.3428A>G, p.Tyr1143Cys (NM_001127510.3, NM_001354895.2); c.3374A>G, p.Tyr1125Cys (NM_001127511.3); c.3482A>G, p.Tyr1161Cys (NM_001354896.2); c.3458A>G, p.Tyr1153Cys (NM_001354897.2); c.3353A>G, p.Tyr1118Cys (NM_001354898.2); c.3344A>G, p.Tyr1115Cys (NM_001354899.2); c.3305A>G, p.Tyr1102Cys (NM_001354900.2); c.3251A>G, p.Tyr1084Cys (NM_001354901.2); and 5 more; short protein forms Y1125C, Y1143C, Y1017C, Y1052C, Y983C, Y1102C, Y1115C, Y1118C.
Identifiers: ClinVar variation 469921 (VCV000469921.22), dbSNP rs1419180532, ClinGen allele CA16028846.
Genomic context (GRCh38, chr5:112,839,022, plus strand): 5'-AAAATGTAAGCCAGTCTTTGTGTCAAGAAGATGACTATGAAGATGATAAGCCTACCAATT[A>G]TAGTGAACGTTACTCTGAAGAAGAACAGCATGAAGAAGAAGAGAGACCAACAAATTATAG-3'
Protein context (NP_000029.2, residues 1133-1153): DDYEDDKPTN[Tyr1143Cys]SERYSEEEQH

ClinVar aggregate classification (germline): Conflicting classifications of pathogenicity. Review status: criteria provided, conflicting classifications (1 of 4 stars). 6 submissions from 6 submitters: Uncertain significance (5); Likely benign (1). Last evaluated 2025-12-08.

Conditions:
Familial adenomatous polyposis 1 (FAP1). Also called: POLYPOSIS, ADENOMATOUS INTESTINAL; FAMILIAL ADENOMATOUS POLYPOSIS 1, ATTENUATED. Identifiers: MedGen C2713442, MONDO:0021056, OMIM 175100. Disease mechanism: loss of function.
Classic or attenuated familial adenomatous polyposis. Identifiers: MedGen CN372698, MONDO:0021057.
Hereditary cancer-predisposing syndrome. Also called: Hereditary neoplastic syndrome; Neoplastic Syndromes, Hereditary; Tumor predisposition; Hereditary Cancer Syndrome. Identifiers: Orphanet 140162, MedGen C0027672, MeSH D009386, MONDO:0015356.

Allele frequency attached by ClinVar (database versions not stated): gnomAD exomes below 0.00001 and 0.00001; TOPMed 0.00001.
gnomAD v4.1: 7 of 1,614,192 alleles (0.00043%); highest among the groups gnomAD compares: Admixed American, 0.005%; no homozygotes.

Submissions (6):

Labcorp Genetics (formerly Invitae), Labcorp
Classification: Uncertain significance for Familial adenomatous polyposis 1. Last evaluated: 2025-12-08. Review status: criteria provided, single submitter. Criteria: Invitae Variant Classification Sherloc (09022015). Collection method: clinical testing. Allele origin: germline.
Comment: This sequence change replaces tyrosine, which is neutral and polar, with cysteine, which is neutral and slightly polar, at codon 1143 of the APC protein (p.Tyr1143Cys). This variant is present in population databases (no rsID available, gnomAD 0.009%). This variant has not been reported in the literature in individuals affected with APC-related conditions. ClinVar contains an entry for this variant (Variation ID: 469921). Invitae Evidence Modeling of protein sequence and biophysical properties (such as structural, functional, and spatial information, amino acid conservation, physicochemical variation, residue mobility, and thermodynamic stability) indicates that this missense variant is not expected to disrupt APC protein function with a negative predictive value of 95%. In summary, the available evidence is currently insufficient to determine the role of this variant in disease. Therefore, it has been classified as a Variant of Uncertain Significance.

All of Us Research Program, National Institutes of Health
Classification: Uncertain significance for Classic or attenuated familial adenomatous polyposis. Last evaluated: 2024-08-06. Review status: criteria provided, single submitter. Criteria: ACMG Guidelines, 2015. Collection method: clinical testing. Allele origin: germline. Inheritance: Autosomal dominant inheritance. Observed: 9 variant alleles, 9 heterozygotes.
Comment: This missense variant replaces tyrosine with cysteine at codon 1143 of the APC protein. Computational prediction suggests that this variant may have deleterious impact on protein structure and function (internally defined REVEL score threshold >= 0.7, PMID: 27666373). To our knowledge, functional studies have not been reported for this variant. This variant has not been reported in individuals affected with APC-related disorders in the literature. This variant has been identified in 3/250982 chromosomes in the general population by the Genome Aggregation Database (gnomAD). The available evidence is insufficient to determine the role of this variant in disease conclusively. Therefore, this variant is classified as a Variant of Uncertain Significance.

This study involves interpretation of variants in research participants for the purpose of population health screening. Participant phenotype was not available at the time of variant classification. Additional details can be found in publication PMID: 35346344, PMCID: PMC8962531

Color Diagnostics, LLC DBA Color Health
Classification: Uncertain significance for Hereditary cancer-predisposing syndrome. Last evaluated: 2024-03-06. Review status: criteria provided, single submitter. Criteria: ACMG Guidelines, 2015. Collection method: clinical testing. Allele origin: germline.
Comment: This missense variant replaces tyrosine with cysteine at codon 1143 of the APC protein. Computational prediction suggests that this variant may have deleterious impact on protein structure and function (internally defined REVEL score threshold >= 0.7, PMID: 27666373). To our knowledge, functional studies have not been reported for this variant. This variant has not been reported in individuals affected with APC-related disorders in the literature. This variant has been identified in 3/250982 chromosomes in the general population by the Genome Aggregation Database (gnomAD). The available evidence is insufficient to determine the role of this variant in disease conclusively. Therefore, this variant is classified as a Variant of Uncertain Significance.

GeneDx
Classification: Uncertain significance. Last evaluated: 2023-05-25. Review status: criteria provided, single submitter. Criteria: GeneDx Variant Classification Process June 2021. Collection method: clinical testing. Allele origin: germline. Affected: yes.
Comment: Not observed at significant frequency in large population cohorts (gnomAD); In silico analysis supports that this missense variant does not alter protein structure/function; Has not been previously published as pathogenic or benign to our knowledge; This variant is associated with the following publications: (PMID: 18199528)

Quest Diagnostics Nichols Institute San Juan Capistrano
Classification: Uncertain significance. Last evaluated: 2022-10-24. Review status: criteria provided, single submitter. Criteria: Quest Diagnostics criteria. Collection method: clinical testing. Allele origin: unknown.
Comment: To the best of our knowledge, the variant has not been reported in the published literature. The frequency of this variant in the general population, 0.000087 (3/34574 chromosomes), is uninformative in assessment of its pathogenicity. Analysis of this variant using bioinformatics tools for the prediction of the effect of amino acid changes on protein structure and function yielded conflicting predictions that this variant is benign or damaging. Based on the available information, we are unable to determine the clinical significance of this variant.

Ambry Genetics
Classification: Likely benign for Hereditary cancer-predisposing syndrome. Last evaluated: 2021-12-20. Review status: criteria provided, single submitter. Criteria: Ambry Variant Classification Scheme 2023. Collection method: clinical testing. Allele origin: germline.